The following is an entry in ClinVar:

ClinVar aggregate classification (germline): Likely pathogenic (1 of 4 stars; one submission).

Conditions:
Creatine transporter deficiency (CCDS1). Also called: Mental retardation , X-linked with seizures, short stature and midface hypoplasia; Mental retardation , X-linked, with creatine transport deficiency; X-linked creatine transporter deficiency; X-linked creatine deficiency syndrome; SLC6A8-Related Creatine Transporter Deficiency; CREATINE TRANSPORTER DEFECT. Identifiers: Orphanet 52503, MedGen C1845862, MONDO:0010305, OMIM 300352.

Submission:

3billion
Classification: Likely pathogenic for Creatine transporter deficiency. Last evaluated: 2025-09-09. Review status: criteria provided, single submitter. Criteria: ACMG Guidelines, 2015. Collection method: clinical testing. Allele origin: germline. Affected: yes.
Comment: The variant is not observed in the gnomAD v4.1.0 dataset. Predicted Consequence/Location: Stop-gained (nonsense): predicted to result in a loss or disruption of normal protein function through nonsense-mediated decay (NMD) or protein truncation. Multiple pathogenic variants are reported downstream of the variant. Therefore, this variant is classified as Likely pathogenic according to the recommendation of ACMG/AMP guideline.

NM_005629.4(SLC6A8):c.1454G>A (p.Trp485Ter)

Gene: SLC6A8 (solute carrier family 6 member 8; plus strand). Cytogenetic location: Xq28.
Variant type: single nucleotide variant.
Coding change: c.1454G>A on transcript NM_005629.4 (MANE Select); coding-DNA position 1454, G replaced by A.
Protein change: p.Trp485Ter; replaces tryptophan 485 with a stop codon.
Molecular consequence: nonsense.
Genome position (GRCh38, 1-based): chrX:153,694,405, G>A. VCF-style: chrX-153694405-G-A. GRCh37 (hg19) VCF-style: chrX-152959860-G-A.
Other names: c.1424G>A, p.Trp475Ter (NM_001142805.2); c.1109G>A, p.Trp370Ter (NM_001142806.1); short protein forms W370*, W475*, W485*.
Identifiers: ClinVar variation 4856303 (VCV004856303.1).
Genomic context (GRCh38, chrX:153,694,405, plus strand): 5'-GCGGGATGTACGTCTTCCAGCTGTTTGACTACTACTCGGCCAGCGGCACCACCCTGCTCT[G>A]GCAGGCCTTTTGGGAGTGCGTGGTGGTGGCCTGGGTGTACGGTAGGTCATGGCTGAGGGC-3'